The following is an entry in ClinVar:

ClinVar aggregate classification (germline): Uncertain significance (1 of 4 stars; one submission).

Conditions:
Insulin-dependent diabetes mellitus secretory diarrhea syndrome (IPEX). Also called: Immunodysregulation, polyendocrinopathy, and enteropathy, X-linked; Immunodeficiency, Polyendocrinopathy, and Enteropathy X-Linked Syndrome; X-Linked Syndrome of Polyendocrinopathy, Immune Dysfunction, and Diarrhea; DIABETES MELLITUS, CONGENITAL INSULIN-DEPENDENT, WITH FATAL SECRETORY DIARRHEA; DIARRHEA, POLYENDOCRINOPATHY, FATAL INFECTION SYNDROME, X-LINKED; ENTEROPATHY, AUTOIMMUNE, WITH HEMOLYTIC ANEMIA AND POLYENDOCRINOPATHY. Identifiers: Orphanet 37042, MedGen C0342288, MONDO:0010580, OMIM 304790. Disease mechanism: loss of function.

Submission:

Labcorp Genetics (formerly Invitae), Labcorp
Classification: Uncertain significance for Insulin-dependent diabetes mellitus secretory diarrhea syndrome. Last evaluated: 2025-12-01. Review status: criteria provided, single submitter. Criteria: Invitae Variant Classification Sherloc (09022015). Collection method: clinical testing. Allele origin: germline.
Comment: This sequence change replaces glutamic acid, which is acidic and polar, with valine, which is neutral and non-polar, at codon 249 of the FOXP3 protein (p.Glu249Val). This variant is not present in population databases (gnomAD no frequency). This variant has not been reported in the literature in individuals affected with FOXP3-related conditions. Invitae Evidence Modeling of protein sequence and biophysical properties (such as structural, functional, and spatial information, amino acid conservation, physicochemical variation, residue mobility, and thermodynamic stability) indicates that this missense variant is expected to disrupt FOXP3 protein function with a positive predictive value of 80%. In summary, the available evidence is currently insufficient to determine the role of this variant in disease. Therefore, it has been classified as a Variant of Uncertain Significance.

NM_014009.4(FOXP3):c.746A>T (p.Glu249Val)

Gene: FOXP3 (forkhead box P3; minus strand). Cytogenetic location: Xp11.23.
Variant type: single nucleotide variant.
Coding change: c.746A>T on transcript NM_014009.4 (MANE Select); coding-DNA position 746, A replaced by T.
Protein change: p.Glu249Val; replaces glutamic acid 249 with valine.
Molecular consequence: missense variant.
Genome position (GRCh38, 1-based): chrX:49,255,499, T>A on the plus strand (A>T on the coding strand, the complement: FOXP3 is on the minus strand). VCF-style: chrX-49255499-T-A. GRCh37 (hg19) VCF-style: chrX-49111960-T-A.
Other names: c.641A>T, p.Glu214Val (NM_001114377.2); short protein forms E214V, E249V.
Identifiers: ClinVar variation 4746672 (VCV004746672.1).